The following is an entry in ClinVar:

ClinVar aggregate classification (germline): Likely pathogenic (1 of 4 stars; one submission).

Submission:

Mayo Clinic Laboratories, Mayo Clinic
Classification: Likely pathogenic. Last evaluated: 2025-10-30. Review status: criteria provided, single submitter. Criteria: ACMG Guidelines, 2015. Collection method: clinical testing. Allele origin: germline. Observed: 1 variant allele.
Comment: PP4, PM2_supporting, PM3, PM4

NM_000053.4(ATP7B):c.2224_2229del (p.Val742_Tyr743del)

Gene: ATP7B (ATPase copper transporting beta; minus strand). Cytogenetic location: 13q14.3.
Variant type: Deletion.
Coding change: c.2224_2229del on transcript NM_000053.4 (MANE Select); coding-DNA positions 2224 to 2229, 6 bases deleted (GTTTAT; older notation c.2224_2229delGTTTAT).
Protein change: p.Val742_Tyr743del.
Molecular consequence: inframe deletion. On other transcripts: intron variant (20).
Genome position (GRCh38, 1-based): chr13:51,958,437-51,958,442, ATAAAC deleted on the plus strand (GTTTAT on the coding strand, the reverse complement: ATP7B is on the minus strand); deleting any 6 consecutive bases within chr13:51,958,437-51,958,446 gives the same sequence; the c. name uses the placement nearest the transcript's 3' end. VCF-style (leftmost placement, unchanged base first): chr13-51958436-AATAAAC-A. GRCh37 (hg19) VCF-style: chr13-52532572-AATAAAC-A.
Other names: p.Val742_Tyr743del; c.1891_1896del, p.Val631_Tyr632del (NM_001243182.2); c.1972_1977del, p.Val658_Tyr659del (NM_001330579.2, NM_001406531.1, NM_001406532.1 and 1 more transcripts); c.2224_2229del, p.Val742_Tyr743del (NM_001406511.1, NM_001406512.1, NM_001406513.1 and 7 more transcripts); c.2191_2196del, p.Val731_Tyr732del (NM_001406514.1); c.2128_2133del, p.Val710_Tyr711del (NM_001406517.1, NM_001406518.1); c.1795_1800del, p.Val599_Tyr600del (NM_001406539.1); c.1876_1881del, p.Val626_Tyr627del (NM_001406543.1); and 9 more.
Identifiers: ClinVar variation 4541782 (VCV004541782.1).
Genomic context (GRCh38, chr13:51,958,436, plus strand): 5'-AGAATGTCACAGGGCTCCTCTCCGCCTTCTCAGCCACAGCAACCACCAGGATGACCAGAG[AATAAAC>A]ATAAGCAATGCTTGTGGCCAGGACGATGAGCACGTCCATGTTGGCTGACCTGTGTCTCAG-3'